The following is an entry in ClinVar:

ClinVar aggregate classification (germline): Uncertain significance (1 of 4 stars; one submission).

Allele frequency attached by ClinVar (database versions not stated): ExAC 0.00001; gnomAD 0.00001; gnomAD exomes 0.00002; TOPMed 0.00002.
gnomAD v4.1: 13 of 1,614,020 alleles (0.00081%); highest among the groups gnomAD compares: Non-Finnish European, 0.00017%; no homozygotes.

Submission:

Labcorp Genetics (formerly Invitae), Labcorp
Classification: Uncertain significance. Last evaluated: 2025-08-07. Review status: criteria provided, single submitter. Criteria: Invitae Variant Classification Sherloc (09022015). Collection method: clinical testing. Allele origin: germline.
Comment: This sequence change replaces aspartic acid, which is acidic and polar, with asparagine, which is neutral and polar, at codon 42 of the GCKR protein (p.Asp42Asn). This variant is present in population databases (rs760964948, gnomAD 0.04%). This missense change has been observed in individual(s) with dyslipidemia (PMID: 32041611, 36325899). ClinVar contains an entry for this variant (Variation ID: 1500960). Invitae Evidence Modeling of protein sequence and biophysical properties (such as structural, functional, and spatial information, amino acid conservation, physicochemical variation, residue mobility, and thermodynamic stability) indicates that this missense variant is expected to disrupt GCKR protein function with a positive predictive value of 80%. In summary, the available evidence is currently insufficient to determine the role of this variant in disease. Therefore, it has been classified as a Variant of Uncertain Significance.

Literature cited by the submitters: PubMed 32041611; PubMed 36325899.

NM_001486.4(GCKR):c.124G>A (p.Asp42Asn)

Gene: GCKR (glucokinase regulator; plus strand). Cytogenetic location: 2p23.3.
Variant type: single nucleotide variant.
Coding change: c.124G>A on transcript NM_001486.4 (MANE Select); coding-DNA position 124, G replaced by A.
Protein change: p.Asp42Asn; replaces aspartic acid 42 with asparagine.
Molecular consequence: missense variant.
Genome position (GRCh38, 1-based): chr2:27,497,307, G>A. VCF-style: chr2-27497307-G-A. GRCh37 (hg19) VCF-style: chr2-27720174-G-A.
Other names: short protein forms D42N.
Identifiers: ClinVar variation 1500960 (VCV001500960.6), dbSNP rs760964948, ClinGen allele CA1581435.